The following is an entry in ClinVar:

NM_001277115.2(DNAH11):c.9643G>C (p.Val3215Leu)

Gene: DNAH11 (dynein axonemal heavy chain 11; plus strand). Cytogenetic location: 7p15.3.
Variant type: single nucleotide variant.
Coding change: c.9643G>C on transcript NM_001277115.2 (MANE Select); coding-DNA position 9643, G replaced by C.
Protein change: p.Val3215Leu; replaces valine 3215 with leucine.
Molecular consequence: missense variant.
Genome position (GRCh38, 1-based): chr7:21,786,669, G>C. VCF-style: chr7-21786669-G-C. GRCh37 (hg19) VCF-style: chr7-21826287-G-C.
Other names: c.9664G>C, p.Val3222Leu (NM_003777.3); short protein forms V3215L, V3222L.
Identifiers: ClinVar variation 2111196 (VCV002111196.4), dbSNP rs2535259608, ClinGen allele CA366940232.
Genomic context (GRCh38, chr7:21,786,669, plus strand): 5'-TGTGCTTTTCTTCAGGTCAACCTCAGTGAGCTGAAAGCCTTTCCCAACCCTCCCATCGCA[G>C]TTACCAATGTTACTGCAGCCGTGATGGTCCTTCTGGCTCCTCGGGGAAGAGTGCCCAAAG-3'
Protein context (NP_001264044.1, residues 3205-3225): LKAFPNPPIA[Val3215Leu]TNVTAAVMVL

ClinVar aggregate classification (germline): Uncertain significance (1 of 4 stars; one submission).

Conditions:
Primary ciliary dyskinesia. Also called: Ciliary dyskinesia. Identifiers: Orphanet 244, MedGen C0008780, MONDO:0016575, HP:0012265.

Allele frequency attached by ClinVar (database versions not stated): gnomAD exomes below 0.00001.
gnomAD v4.1: 1 of 1,613,544 alleles (0.000062%); highest among the groups gnomAD compares: Non-Finnish European, 0.000085%; no homozygotes.

Submission:

Labcorp Genetics (formerly Invitae), Labcorp
Classification: Uncertain significance for Primary ciliary dyskinesia. Last evaluated: 2023-02-14. Review status: criteria provided, single submitter. Criteria: Invitae Variant Classification Sherloc (09022015). Collection method: clinical testing. Allele origin: germline.
Comment: In summary, the available evidence is currently insufficient to determine the role of this variant in disease. Therefore, it has been classified as a Variant of Uncertain Significance. Algorithms developed to predict the effect of sequence changes on RNA splicing suggest that this variant may disrupt the consensus splice site. Advanced modeling of protein sequence and biophysical properties (such as structural, functional, and spatial information, amino acid conservation, physicochemical variation, residue mobility, and thermodynamic stability) performed at Invitae indicates that this missense variant is not expected to disrupt DNAH11 protein function. This variant has not been reported in the literature in individuals affected with DNAH11-related conditions. This variant is not present in population databases (gnomAD no frequency). This sequence change replaces valine, which is neutral and non-polar, with leucine, which is neutral and non-polar, at codon 3215 of the DNAH11 protein (p.Val3215Leu).